The following is an entry in ClinVar:

NM_003124.5(SPR):c.715C>T (p.Gln239Ter)

Gene: SPR (sepiapterin reductase; plus strand). Cytogenetic location: 2p13.2.
Variant type: single nucleotide variant.
Coding change: c.715C>T on transcript NM_003124.5 (MANE Select); coding-DNA position 715, C replaced by T.
Protein change: p.Gln239Ter; replaces glutamine 239 with a stop codon.
Molecular consequence: nonsense.
Genome position (GRCh38, 1-based): chr2:72,891,466, C>T. VCF-style: chr2-72891466-C-T. GRCh37 (hg19) VCF-style: chr2-73118595-C-T.
Other names: short protein forms Q239*.
Identifiers: ClinVar variation 2720176 (VCV002720176.4), dbSNP rs761407827, ClinGen allele CA1709025.

ClinVar aggregate classification (germline): Pathogenic. Review status: criteria provided, multiple submitters, no conflicts (2 of 4 stars). 2 submissions from 2 submitters: Pathogenic (2). Last evaluated 2024-08-31.

Conditions:
Dystonic disorder. Also called: Dystonia. Identifiers: MedGen C0013421, MONDO:0003441, HP:0001332.
Dopa-responsive dystonia due to sepiapterin reductase deficiency. Also called: DYT-SPR; SPR DEFICIENCY; Sepiapterin reductase deficiency. Identifiers: Orphanet 70594, MedGen C0268468, MONDO:0012994, OMIM 612716.

Allele frequency attached by ClinVar (database versions not stated): gnomAD exomes below 0.00001; TOPMed below 0.00001; ExAC 0.00001.
gnomAD v4.1: 7 of 1,614,226 alleles (0.00043%); highest among the groups gnomAD compares: African/African-American, 0.0013%; no homozygotes.

Submissions (2):

Labcorp Genetics (formerly Invitae), Labcorp
Classification: Pathogenic for Dystonic disorder. Last evaluated: 2024-08-31. Review status: criteria provided, single submitter. Criteria: Invitae Variant Classification Sherloc (09022015). Collection method: clinical testing. Allele origin: germline.
Comment: This sequence change creates a premature translational stop signal (p.Gln239*) in the SPR gene. While this is not anticipated to result in nonsense mediated decay, it is expected to disrupt the last 23 amino acid(s) of the SPR protein. This variant is present in population databases (rs761407827, gnomAD 0.002%). This variant has not been reported in the literature in individuals affected with SPR-related conditions. This variant disrupts a region of the SPR protein in which other variant(s) (p.Lys251*) have been determined to be pathogenic (PMID: 16917893, 18502672, 21431957, 21677200). This suggests that this is a clinically significant region of the protein, and that variants that disrupt it are likely to be disease-causing. For these reasons, this variant has been classified as Pathogenic.

Women's Health and Genetics/Laboratory Corporation of America, LabCorp
Classification: Pathogenic for Dopa-responsive dystonia due to sepiapterin reductase deficiency. Last evaluated: 2024-07-12. Review status: criteria provided, single submitter. Criteria: LabCorp Variant Classification Summary - May 2015. Collection method: clinical testing. Allele origin: germline.
Comment: Variant summary: SPR c.715C>T (p.Gln239X) results in a premature termination codon, predicted to cause a truncation of the encoded protein. Although, nonsense mediated decay is not predicted, at least one pathogenic variant downstream has been observed in ClinVar. The variant allele was found at a frequency of 8e-06 in 251490 control chromosomes. To our knowledge, no occurrence of c.715C>T in individuals affected with Sepiapterin Reductase Deficiency and no experimental evidence demonstrating its impact on protein function have been reported. ClinVar contains an entry for this variant (Variation ID: 2720176). Based on the evidence outlined above, the variant was classified as pathogenic.

Literature cited by the submitters: PubMed 16917893 (cited by Labcorp Genetics (formerly Invitae), Labcorp); PubMed 18502672 (cited by Labcorp Genetics (formerly Invitae), Labcorp); PubMed 21431957 (cited by Labcorp Genetics (formerly Invitae), Labcorp); PubMed 21677200 (cited by Labcorp Genetics (formerly Invitae), Labcorp).